The following is an entry in ClinVar:

ClinVar aggregate classification (germline): Likely benign. Review status: criteria provided, multiple submitters, no conflicts (2 of 4 stars). 4 submissions from 4 submitters: Likely benign (4). Last evaluated 2026-01-11.

Conditions:
Inborn genetic diseases. Identifiers: MedGen C0950123, MeSH D030342.
Neuronal ceroid lipofuscinosis. Also called: Neuronal Ceroid Lipofuscinoses. Identifiers: Orphanet 216, Orphanet 79263, MedGen C0027877, MONDO:0016295. Disease mechanism: loss of function.

Allele frequency attached by ClinVar (database versions not stated): gnomAD 0.00002; TOPMed 0.00003.
gnomAD v4.1: 15 of 1,614,106 alleles (0.00093%); highest among the groups gnomAD compares: African/African-American, 0.011%; no homozygotes.

Submissions (4):

Labcorp Genetics (formerly Invitae), Labcorp
Classification: Likely benign for Neuronal ceroid lipofuscinosis. Last evaluated: 2026-01-11. Review status: criteria provided, single submitter. Criteria: Invitae Variant Classification Sherloc (09022015). Collection method: clinical testing. Allele origin: germline.

Blueprint Genetics
Classification: Likely benign. Last evaluated: 2024-08-13. Review status: criteria provided, single submitter. Criteria: ACMG Guidelines, 2015. Collection method: clinical testing. Allele origin: germline.

Ambry Genetics
Classification: Likely benign for Inborn genetic diseases. Last evaluated: 2017-10-09. Review status: criteria provided, single submitter. Criteria: Ambry Variant Classification Scheme 2023. Collection method: clinical testing. Allele origin: germline.

GeneDx
Classification: Likely benign. Last evaluated: 2016-12-22. Review status: criteria provided, single submitter. Criteria: GeneDx Variant Classification (06012015). Collection method: clinical testing. Allele origin: germline. Affected: yes.
Comment: This variant is considered likely benign or benign based on one or more of the following criteria: it is a conservative change, it occurs at a poorly conserved position in the protein, it is predicted to be benign by multiple in silico algorithms, and/or has population frequency not consistent with disease.

NM_001042432.2(CLN3):c.1135C>T (p.Leu379=)

Gene: CLN3 (CLN3 lysosomal/endosomal transmembrane protein, battenin; minus strand). Cytogenetic location: 16p12.1.
Variant type: single nucleotide variant.
Coding change: c.1135C>T on transcript NM_001042432.2 (MANE Select); coding-DNA position 1135, C replaced by T.
Protein change: p.Leu379=; no amino-acid change (leucine 379 retained).
Molecular consequence: synonymous variant.
Genome position (GRCh38, 1-based): chr16:28,477,799, G>A on the plus strand (C>T on the coding strand, the complement: CLN3 is on the minus strand). VCF-style: chr16-28477799-G-A. GRCh37 (hg19) VCF-style: chr16-28489120-G-A.
Other names: c.1135C>T, p.Leu379= (NM_000086.2); c.1063C>T, p.Leu355= (NM_001286104.2); c.835C>T, p.Leu279= (NM_001286105.2); c.901C>T, p.Leu301= (NM_001286109.2); c.973C>T, p.Leu325= (NM_001286110.2).
Identifiers: ClinVar variation 377687 (VCV000377687.14), dbSNP rs890026046, ClinGen allele CA16607011.